The following is an entry in ClinVar:

NM_001737.5(C9):c.449_450del (p.Glu149_Ser150insTer)

Gene: C9 (complement C9; minus strand). Cytogenetic location: 5p13.1.
Variant type: Deletion.
Coding change: c.449_450del on transcript NM_001737.5 (MANE Select); coding-DNA positions 449 to 450, 2 bases deleted (CT; older notation c.449_450delCT).
Protein change: p.Glu149_Ser150insTer.
Molecular consequence: nonsense.
Genome position (GRCh38, 1-based): chr5:39,341,172-39,341,173, AG deleted on the plus strand (CT on the coding strand, the reverse complement: C9 is on the minus strand); deleting any 2 consecutive bases within chr5:39,341,172-39,341,174 gives the same sequence; the c. name uses the placement nearest the transcript's 3' end. VCF-style (leftmost placement, unchanged base first): chr5-39341171-CAG-C. GRCh37 (hg19) VCF-style: chr5-39341273-CAG-C.
Identifiers: ClinVar variation 3684939 (VCV003684939.2).
Genomic context (GRCh38, chr5:39,341,171, plus strand): 5'-ATTTTCATCTGAAAAAGTACAAGTAAAATACACACCCATAGCCTGCTGTTCGTGCCAGCT[CAG>C]ACTCTTCTACCACTCTGTCTCTGCAGGGGGGACGGGGCTCACTTTCACAATCATCCTCAT-3'

ClinVar aggregate classification (germline): Pathogenic (1 of 4 stars; one submission).

Submission:

Labcorp Genetics (formerly Invitae), Labcorp
Classification: Pathogenic. Last evaluated: 2024-09-02. Review status: criteria provided, single submitter. Criteria: Invitae Variant Classification Sherloc (09022015). Collection method: clinical testing. Allele origin: germline.
Comment: This sequence change creates a premature translational stop signal (p.Ser150*) in the C9 gene. It is expected to result in an absent or disrupted protein product. Loss-of-function variants in C9 are known to be pathogenic (PMID: 9144525, 9570574). This variant is present in population databases (rs781774653, gnomAD 0.0009%). This variant has not been reported in the literature in individuals affected with C9-related conditions. For these reasons, this variant has been classified as Pathogenic.

Literature cited by the submitters: PubMed 9144525; PubMed 9570574.